The following is an entry in ClinVar:

ClinVar aggregate classification (germline): Uncertain significance. Review status: criteria provided, multiple submitters, no conflicts (2 of 4 stars). 2 submissions from 2 submitters: Uncertain significance (2). Last evaluated 2024-08-26.

Conditions:
Idiopathic Pulmonary Fibrosis. Also called: idiopathic fibrosing alveolitis; Idiopathic fibrosing alveolitis, chronic form. Identifiers: Orphanet 2032, MedGen C1800706, MeSH D054990, MONDO:0800504.
Dyskeratosis congenita, autosomal dominant 2. Identifiers: MedGen C3151443, MONDO:0013521, OMIM 613989.
Dyskeratosis congenita. Identifiers: Orphanet 1775, MedGen C0265965, MONDO:0015780.

Allele frequency attached by ClinVar (database versions not stated): TOPMed below 0.00001; gnomAD 0.00001; gnomAD exomes 0.00001.
gnomAD v4.1: 6 of 1,583,780 alleles (0.00038%); highest among the groups gnomAD compares: East Asian, 0.0023%; no homozygotes.

Submissions (2):

Labcorp Genetics (formerly Invitae), Labcorp
Classification: Uncertain significance for Dyskeratosis congenita, autosomal dominant 2; Idiopathic Pulmonary Fibrosis. Last evaluated: 2024-08-26. Review status: criteria provided, single submitter. Criteria: Invitae Variant Classification Sherloc (09022015). Collection method: clinical testing. Allele origin: germline.
Comment: This sequence change replaces glycine, which is neutral and non-polar, with arginine, which is basic and polar, at codon 254 of the TERT protein (p.Gly254Arg). This variant is present in population databases (no rsID available, gnomAD 0.003%). This variant has not been reported in the literature in individuals affected with TERT-related conditions. ClinVar contains an entry for this variant (Variation ID: 1063368). Invitae Evidence Modeling of protein sequence and biophysical properties (such as structural, functional, and spatial information, amino acid conservation, physicochemical variation, residue mobility, and thermodynamic stability) indicates that this missense variant is not expected to disrupt TERT protein function with a negative predictive value of 95%. In summary, the available evidence is currently insufficient to determine the role of this variant in disease. Therefore, it has been classified as a Variant of Uncertain Significance.

Ambry Genetics
Classification: Uncertain significance for Dyskeratosis congenita. Last evaluated: 2022-03-29. Review status: criteria provided, single submitter. Criteria: Ambry Variant Classification Scheme 2023. Collection method: clinical testing. Allele origin: germline.
Comment: The p.G254R variant (also known as c.760G>A), located in coding exon 2 of the TERT gene, results from a G to A substitution at nucleotide position 760. The glycine at codon 254 is replaced by arginine, an amino acid with dissimilar properties. This amino acid position is conserved. In addition, this alteration is predicted to be tolerated by in silico analysis. Since supporting evidence is limited at this time, the clinical significance of this alteration remains unclear.

NM_198253.3(TERT):c.760G>A (p.Gly254Arg)

Gene: TERT (telomerase reverse transcriptase; minus strand). Cytogenetic location: 5p15.33.
Variant type: single nucleotide variant.
Coding change: c.760G>A on transcript NM_198253.3 (MANE Select); coding-DNA position 760, G replaced by A.
Protein change: p.Gly254Arg; replaces glycine 254 with arginine.
Molecular consequence: missense variant. On other transcripts: non-coding transcript variant (2).
Genome position (GRCh38, 1-based): chr5:1,294,126, C>T on the plus strand (G>A on the coding strand, the complement: TERT is on the minus strand). VCF-style: chr5-1294126-C-T. GRCh37 (hg19) VCF-style: chr5-1294241-C-T.
Other names: c.760G>A, p.Gly254Arg (NM_001193376.3); short protein forms G254R.
Identifiers: ClinVar variation 1063368 (VCV001063368.9), dbSNP rs1439775799, ClinGen allele CA359056879.